The following is an entry in ClinVar:

ClinVar aggregate classification (germline): Likely pathogenic (1 of 4 stars; one submission).

Conditions:
Early-infantile DEE. Also called: Ohtahara syndrome; Early infantile epileptic encephalopathy; Early infantile epileptic encephalopathy with suppression bursts. Identifiers: Orphanet 1934, MedGen C0393706, MONDO:0800491.

Allele frequency attached by ClinVar (database versions not stated): ExAC 0.00001; gnomAD exomes below 0.00001.
gnomAD v4.1: 2 of 1,613,248 alleles (0.00012%); highest among the groups gnomAD compares: Non-Finnish European, 0.00017%; no homozygotes.

Submission:

Labcorp Genetics (formerly Invitae), Labcorp
Classification: Likely pathogenic for Early-infantile DEE. Last evaluated: 2023-10-11. Review status: criteria provided, single submitter. Criteria: Invitae Variant Classification Sherloc (09022015). Collection method: clinical testing. Allele origin: germline.
Comment: This sequence change affects a donor splice site in intron 7 of the KCNQ2 gene. It is expected to disrupt RNA splicing. Variants that disrupt the donor or acceptor splice site typically lead to a loss of protein function (PMID: 16199547), and loss-of-function variants in KCNQ2 are known to be pathogenic (PMID: 14534157, 23692823, 27779742). The frequency data for this variant in the population databases is considered unreliable, as metrics indicate poor data quality at this position in the gnomAD database. This variant has not been reported in the literature in individuals affected with KCNQ2-related conditions. Algorithms developed to predict the effect of sequence changes on RNA splicing suggest that this variant may disrupt the consensus splice site. In summary, the currently available evidence indicates that the variant is pathogenic, but additional data are needed to prove that conclusively. Therefore, this variant has been classified as Likely Pathogenic.

Literature cited by the submitters: PubMed 16199547; PubMed 14534157; PubMed 23692823; PubMed 27779742.

NM_172107.4(KCNQ2):c.1023+2T>C

Gene: KCNQ2 (potassium voltage-gated channel subfamily Q member 2; minus strand). Cytogenetic location: 20q13.33.
Variant type: single nucleotide variant.
Coding change: c.1023+2T>C on transcript NM_172107.4 (MANE Select); the canonical splice donor site of the intron after coding-DNA position 1023, T replaced by C.
Molecular consequence: splice donor variant.
Genome position (GRCh38, 1-based): chr20:63,438,623, A>G on the plus strand (T>C on the coding strand, the complement: KCNQ2 is on the minus strand). VCF-style: chr20-63438623-A-G. GRCh37 (hg19) VCF-style: chr20-62069976-A-G.
Other names: c.1023+2T>C (NM_004518.6, NM_172108.5, NM_172106.3 and 2 more transcripts).
Identifiers: ClinVar variation 2765601 (VCV002765601.3), dbSNP rs766608647, ClinGen allele CA9958679.
Genomic context (GRCh38, chr20:63,438,623, plus strand): 5'-TCCTCAACAAGGTGGGACCAGGACAAGGGCTGTGCTGGTCCCCGGGGGACACCTGGACTC[A>G]CCTGGATCAGGCCTGCTGCCGGGTTCCGCCTCTTCTCAAAGTGCTTCTGCCTGTGCTGCT-3'